The following is an entry in ClinVar:

ClinVar aggregate classification (germline): Likely benign. Review status: criteria provided, multiple submitters, no conflicts (2 of 4 stars). 2 submissions from 2 submitters: Likely benign (2). Last evaluated 2025-09-14.

Allele frequency attached by ClinVar (database versions not stated): ExAC 0.00001; gnomAD exomes 0.00002 and 0.00013; gnomAD 0.00005; TOPMed 0.00005.

Submissions (2):

Mayo Clinic Laboratories, Mayo Clinic
Classification: Likely benign. Last evaluated: 2025-09-14. Review status: criteria provided, single submitter. Criteria: ACMG Guidelines, 2015. Collection method: clinical testing. Allele origin: germline. Observed: 2 variant alleles.
Comment: BP4, BP7

Labcorp Genetics (formerly Invitae), Labcorp
Classification: Likely benign. Last evaluated: 2025-05-01. Review status: criteria provided, single submitter. Criteria: Invitae Variant Classification Sherloc (09022015). Collection method: clinical testing. Allele origin: germline.

NM_004944.4(DNASE1L3):c.516C>T (p.Tyr172=)

Gene: DNASE1L3 (deoxyribonuclease 1L3; minus strand). Cytogenetic location: 3p14.3.
Variant type: single nucleotide variant.
Coding change: c.516C>T on transcript NM_004944.4 (MANE Select); coding-DNA position 516, C replaced by T.
Protein change: p.Tyr172=; no amino-acid change (tyrosine 172 retained).
Molecular consequence: synonymous variant.
Genome position (GRCh38, 1-based): chr3:58,201,027, G>A on the plus strand (C>T on the coding strand, the complement: DNASE1L3 is on the minus strand). VCF-style: chr3-58201027-G-A. GRCh37 (hg19) VCF-style: chr3-58186754-G-A.
Other names: p.Tyr172=; c.426C>T, p.Tyr142= (NM_001256560.2).
Identifiers: ClinVar variation 1586077 (VCV001586077.9), dbSNP rs761070297, ClinGen allele CA2469959.
Genomic context (GRCh38, chr3:58,201,027, plus strand): 5'-TGGGAATTCGTCTGACACAGCAGTCCTCACCTCCGCCTTCCAGCGGTGTTTCACGTCCGT[G>A]TAGACCTCAACCAACTCATCGATCTCCTTAACGGATGTCTCTGGGGTGGTGTGCAGGGGG-3'
Protein context (NP_004935.1, residues 162-182): VKEIDELVEV[Tyr172=]TDVKHRWKAE